The following is an entry in ClinVar:

NM_000455.5(STK11):c.1222G>A (p.Gly408Ser)

Gene: STK11 (serine/threonine kinase 11; plus strand). Cytogenetic location: 19p13.3.
Variant type: single nucleotide variant.
Coding change: c.1222G>A on transcript NM_000455.5 (MANE Select); coding-DNA position 1222, G replaced by A.
Protein change: p.Gly408Ser; replaces glycine 408 with serine.
Molecular consequence: missense variant.
Genome position (GRCh38, 1-based): chr19:1,226,567, G>A. VCF-style: chr19-1226567-G-A. GRCh37 (hg19) VCF-style: chr19-1226566-G-A.
Other names: short protein forms G408S.
Identifiers: ClinVar variation 480708 (VCV000480708.23), dbSNP rs749463771, ClinGen allele CA046029.

ClinVar aggregate classification (germline): Conflicting classifications of pathogenicity. Review status: criteria provided, conflicting classifications (1 of 4 stars). 5 submissions from 5 submitters: Uncertain significance (2); Likely benign (3). Last evaluated 2025-06-09.

Conditions:
Hereditary cancer-predisposing syndrome. Also called: Hereditary neoplastic syndrome; Neoplastic Syndromes, Hereditary; Tumor predisposition; Hereditary Cancer Syndrome. Identifiers: Orphanet 140162, MedGen C0027672, MeSH D009386, MONDO:0015356.
Peutz-Jeghers syndrome (PJS). Also called: POLYPOSIS, HAMARTOMATOUS INTESTINAL; POLYPS-AND-SPOTS SYNDROME; Peutz-Jeghers polyposis; Periorificial lentiginosis syndrome. Identifiers: Orphanet 2869, MedGen C0031269, MeSH D010580, MONDO:0008280, OMIM 175200.

Allele frequency attached by ClinVar (database versions not stated): TOPMed below 0.00001; gnomAD exomes 0.00001; ExAC 0.00005.
gnomAD v4.1: 5 of 1,590,818 alleles (0.00031%); highest among the groups gnomAD compares: South Asian, 0.0046%; 1 homozygote.

Submissions (5):

Labcorp Genetics (formerly Invitae), Labcorp
Classification: Likely benign for Peutz-Jeghers syndrome. Last evaluated: 2025-06-09. Review status: criteria provided, single submitter. Criteria: Invitae Variant Classification Sherloc (09022015). Collection method: clinical testing. Allele origin: germline.

All of Us Research Program, National Institutes of Health
Classification: Uncertain significance for Peutz-Jeghers syndrome. Last evaluated: 2023-06-26. Review status: criteria provided, single submitter. Criteria: ACMG Guidelines, 2015. Collection method: clinical testing. Allele origin: germline. Inheritance: Autosomal dominant inheritance. Observed: 1 variant allele, 1 heterozygote.
Comment: This missense variant replaces glycine with serine at codon 408 of the STK11 protein. Computational prediction suggests that this variant may not impact protein structure and function (internally defined REVEL score threshold <= 0.5, PMID: 27666373). To our knowledge, functional studies have not been reported for this variant. This variant has not been reported in individuals affected with STK11-related disorders in the literature. This variant has been identified in 3/200078 chromosomes in the general population by the Genome Aggregation Database (gnomAD). The available evidence is insufficient to determine the role of this variant in disease conclusively. Therefore, this variant is classified as a Variant of Uncertain Significance.

This study involves interpretation of variants in research participants for the purpose of population health screening. Participant phenotype was not available at the time of variant classification. Additional details can be found in publication PMID: 35346344, PMCID: PMC8962531

Color Diagnostics, LLC DBA Color Health
Classification: Uncertain significance for Hereditary cancer-predisposing syndrome. Last evaluated: 2023-06-01. Review status: criteria provided, single submitter. Criteria: ACMG Guidelines, 2015. Collection method: clinical testing. Allele origin: germline.
Comment: This missense variant replaces glycine with serine at codon 408 of the STK11 protein. Computational prediction suggests that this variant may not impact protein structure and function (internally defined REVEL score threshold <= 0.5, PMID: 27666373). To our knowledge, functional studies have not been reported for this variant. This variant has not been reported in individuals affected with STK11-related disorders in the literature. This variant has been identified in 3/200078 chromosomes in the general population by the Genome Aggregation Database (gnomAD). The available evidence is insufficient to determine the role of this variant in disease conclusively. Therefore, this variant is classified as a Variant of Uncertain Significance.

Ambry Genetics
Classification: Likely benign for Hereditary cancer-predisposing syndrome. Last evaluated: 2021-10-25. Review status: criteria provided, single submitter. Criteria: Ambry Variant Classification Scheme 2023. Collection method: clinical testing. Allele origin: germline.

Genome-Nilou Lab
Classification: Likely benign for Peutz-Jeghers syndrome. Last evaluated: 2021-07-15. Review status: criteria provided, single submitter. Criteria: ACMG Guidelines, 2015. Collection method: clinical testing. Allele origin: germline. Affected: no.